The following is an entry in ClinVar:

ClinVar aggregate classification (germline): Likely benign (1 of 4 stars; one submission).

Allele frequency attached by ClinVar (database versions not stated): gnomAD exomes below 0.00001.
gnomAD v4.1: 1 of 1,614,212 alleles (0.000062%); highest among the groups gnomAD compares: Non-Finnish European, 0.000085%; no homozygotes.

Submission:

CeGaT Center for Human Genetics Tuebingen
Classification: Likely benign. Last evaluated: 2023-02-01. Review status: criteria provided, single submitter. Criteria: CeGaT Center For Human Genetics Tuebingen Variant Classification Criteria Version 2. Collection method: clinical testing. Allele origin: germline. Affected: yes. Observed: 1 variant allele.
Comment: ALDH18A1: PM2:Supporting, BP4, BP7

NM_002860.4(ALDH18A1):c.2298G>A (p.Gly766=)

Gene: ALDH18A1 (aldehyde dehydrogenase 18 family member A1; minus strand). Cytogenetic location: 10q24.1.
Variant type: single nucleotide variant.
Coding change: c.2298G>A on transcript NM_002860.4 (MANE Select); coding-DNA position 2298, G replaced by A.
Protein change: p.Gly766=; no amino-acid change (glycine 766 retained).
Molecular consequence: synonymous variant.
Genome position (GRCh38, 1-based): chr10:95,606,852, C>T on the plus strand (G>A on the coding strand, the complement: ALDH18A1 is on the minus strand). VCF-style: chr10-95606852-C-T. GRCh37 (hg19) VCF-style: chr10-97366609-C-T.
Other names: c.2292G>A, p.Gly764= (NM_001017423.2, NM_001323415.2); c.1965G>A, p.Gly655= (NM_001323412.2, NM_001323416.2); c.2298G>A, p.Gly766= (NM_001323413.2, NM_001323414.2); c.2193G>A, p.Gly731= (NM_001323417.2); c.1959G>A, p.Gly653= (NM_001323418.2); c.1662G>A, p.Gly554= (NM_001323419.2).
Identifiers: ClinVar variation 2640708 (VCV002640708.24), dbSNP rs2526671765, ClinGen allele CA471026918.